The following is an entry in ClinVar:

ClinVar aggregate classification (germline): Pathogenic. Review status: criteria provided, multiple submitters, no conflicts (2 of 4 stars). 3 submissions from 3 submitters: Pathogenic (3). Last evaluated 2024-08-01.

Conditions:
Becker muscular dystrophy, Cardiomyopathy, Duchenne muscular dystrophy, Dystrophin deficiency.
Duchenne muscular dystrophy (DMD). Also called: Duchenne Muscular Dystrophy (DMD); MUSCULAR DYSTROPHY, PSEUDOHYPERTROPHIC PROGRESSIVE, DUCHENNE TYPE. Identifiers: Orphanet 98896, MedGen C0013264, MONDO:0010679, OMIM 310200.

Submissions (3):

Natera, Inc.
Classification: Pathogenic for Becker muscular dystrophy, Cardiomyopathy, Duchenne muscular dystrophy, Dystrophin deficiency. Last evaluated: 2024-08-01. Review status: criteria provided, single submitter. Criteria: Natera Variant Classification Schema (03/2026). Collection method: clinical testing. Allele origin: germline.
Comment: The c.2622+1G>A variant in DMD is a canonical splice donor site variant predicted to affect pre-mRNA splicing, which may result in an abnormal transcript and altered protein product. This variant is expected to result in nonsense mediated decay, truncation, or a dysfunctional protein product. This variant is rare in the general population with a frequency below the threshold expected for the associated phenotype(s). This variant has been observed in affected individual(s) with monoallelic occurrence (heterozygous/hemizygous) (PMID: 31671740, 20485447, 34629887). Functional studies show that this variant may disrupt protein function (PMID: 17579806). Given the available evidence, this variant is classified as Pathogenic.

Labcorp Genetics (formerly Invitae), Labcorp
Classification: Pathogenic for Duchenne muscular dystrophy. Last evaluated: 2022-07-06. Review status: criteria provided, single submitter. Criteria: Invitae Variant Classification Sherloc (09022015). Collection method: clinical testing. Allele origin: germline.
Comment: ClinVar contains an entry for this variant (Variation ID: 94526). For these reasons, this variant has been classified as Pathogenic. Algorithms developed to predict the effect of sequence changes on RNA splicing suggest that this variant may disrupt the consensus splice site. Disruption of this splice site has been observed in individuals with Duchenne muscular dystrophy (PMID: 11524473, 27593222, 28859693). This variant is not present in population databases (gnomAD no frequency). This sequence change affects a donor splice site in intron 20 of the DMD gene. It is expected to disrupt RNA splicing. Variants that disrupt the donor or acceptor splice site typically lead to a loss of protein function (PMID: 16199547), and loss-of-function variants in DMD are known to be pathogenic (PMID: 16770791, 25007885).

Eurofins Ntd Llc (ga)
Classification: Pathogenic. Last evaluated: 2016-10-17. Review status: criteria provided, single submitter. Criteria: EGL Classification Definitions 2015. Collection method: clinical testing. Allele origin: germline. Observed: 2 variant alleles, 2 hemizygotes.

Literature cited by the submitters: PubMed 31671740 (cited by Natera, Inc.); PubMed 20485447 (cited by Natera, Inc.); PubMed 34629887 (cited by Natera, Inc.); PubMed 17579806 (cited by Natera, Inc.); PubMed 11524473 (cited by Labcorp Genetics (formerly Invitae), Labcorp); PubMed 27593222 (cited by Labcorp Genetics (formerly Invitae), Labcorp); PubMed 28859693 (cited by Labcorp Genetics (formerly Invitae), Labcorp); PubMed 16199547 (cited by Labcorp Genetics (formerly Invitae), Labcorp); PubMed 16770791 (cited by Labcorp Genetics (formerly Invitae), Labcorp); PubMed 25007885 (cited by Labcorp Genetics (formerly Invitae), Labcorp).

NM_004006.3(DMD):c.2622+1G>A

Gene: DMD (dystrophin; minus strand). Cytogenetic location: Xp21.1.
Variant type: single nucleotide variant.
Coding change: c.2622+1G>A on transcript NM_004006.3 (MANE Select); the canonical splice donor site of the intron after coding-DNA position 2622, G replaced by A.
Molecular consequence: splice donor variant.
Genome position (GRCh38, 1-based): chrX:32,491,276, C>T on the plus strand (G>A on the coding strand, the complement: DMD is on the minus strand). VCF-style: chrX-32491276-C-T. GRCh37 (hg19) VCF-style: chrX-32509393-C-T.
Other names: c.2598+1G>A (NM_000109.4); c.2610+1G>A (NM_004009.3); c.2253+1G>A (NM_004010.3).
Identifiers: ClinVar variation 94526 (VCV000094526.17), dbSNP rs398123901, ClinGen allele CA266948.